The following is an entry in ClinVar:

ClinVar aggregate classification (germline): Uncertain significance (1 of 4 stars; one submission).

Conditions:
Hereditary cancer-predisposing syndrome. Also called: Hereditary Cancer Syndrome; Hereditary neoplastic syndrome; Tumor predisposition; Neoplastic Syndromes, Hereditary. Identifiers: Orphanet 140162, MedGen C0027672, MeSH D009386, MONDO:0015356.

Submission:

Ambry Genetics
Classification: Uncertain significance for Hereditary cancer-predisposing syndrome. Last evaluated: 2024-11-22. Review status: criteria provided, single submitter. Criteria: Ambry Variant Classification Scheme 2023. Collection method: clinical testing. Allele origin: germline.
Comment: The p.G1133R variant (also known as c.3397G>C), located in coding exon 21 of the ALK gene, results from a G to C substitution at nucleotide position 3397. The glycine at codon 1133 is replaced by arginine, an amino acid with dissimilar properties. This amino acid position is conserved. In addition, this alteration is predicted to be deleterious by in silico analysis. Based on the available evidence, the clinical significance of this variant remains unclear.

NM_004304.5(ALK):c.3397G>C (p.Gly1133Arg)

Gene: ALK (ALK receptor tyrosine kinase; minus strand). Cytogenetic location: 2p23.2.
Variant type: single nucleotide variant.
Coding change: c.3397G>C on transcript NM_004304.5 (MANE Select); coding-DNA position 3397, G replaced by C.
Protein change: p.Gly1133Arg; replaces glycine 1133 with arginine.
Molecular consequence: missense variant.
Genome position (GRCh38, 1-based): chr2:29,222,570, C>G on the plus strand (G>C on the coding strand, the complement: ALK is on the minus strand). VCF-style: chr2-29222570-C-G. GRCh37 (hg19) VCF-style: chr2-29445436-C-G.
Other names: c.193G>C, p.Gly65Arg (NM_001353765.2); short protein forms G1133R, G65R.
Identifiers: ClinVar variation 3525214 (VCV003525214.1).